The following is an entry in ClinVar:

NM_001126108.2(SLC12A3):c.2938G>A (p.Gly980Arg)

Genes: SLC12A3 (solute carrier family 12 member 3; plus strand), LOC126862361 (CDK7 strongly-dependent group 2 enhancer GRCh37_chr16:56946332-56947531; plus strand). Cytogenetic location: 16q13.
Variant type: single nucleotide variant.
Coding change: c.2938G>A on transcript NM_001126108.2 (MANE Select); coding-DNA position 2938, G replaced by A.
Protein change: p.Gly980Arg; replaces glycine 980 with arginine.
Molecular consequence: missense variant.
Genome position (GRCh38, 1-based): chr16:56,913,277, G>A. VCF-style: chr16-56913277-G-A. GRCh37 (hg19) VCF-style: chr16-56947189-G-A.
Other names: c.2938G>A (NM_001126108.1); c.2965G>A, p.Gly989Arg (NM_000339.3); c.2962G>A, p.Gly988Arg (NM_001126107.2); short protein forms G989R, G988R, G980R.
Identifiers: ClinVar variation 586605 (VCV000586605.45), dbSNP rs34803727, ClinGen allele CA8070170.
Genomic context (GRCh38, chr16:56,913,277, plus strand): 5'-GCGGCCCCGTGGTAATCTCTCTTCTACCACTTTTTCATGCCTTGCAGCACTTTGCCCATA[G>A]GGAGGAAGGGGAAGTGCCCCAGCTCGCTGTACATGGCCTGGCTGGAGACCCTGTCCCAGG-3'
Protein context (NP_001119580.2, residues 970-990): AALIVITLPI[Gly980Arg]RKGKCPSSLY

ClinVar aggregate classification (germline): Pathogenic/Likely pathogenic. Review status: criteria provided, multiple submitters, no conflicts (2 of 4 stars). 16 submissions from 16 submitters: Pathogenic (10); Likely pathogenic (3). 3 of the submissions do not count toward it. Last evaluated 2026-01-05.

Conditions:
Renal tubulopathies.
Familial hypokalemia-hypomagnesemia (GTLMNS). Also called: HYPOMAGNESEMIA-HYPOKALEMIA, PRIMARY RENOTUBULAR, WITH HYPOCALCIURIA; POTASSIUM AND MAGNESIUM DEPLETION; gitelman syndrome. Identifiers: Orphanet 358, MedGen C0268450, MONDO:0009904, OMIM 263800.
Bartter syndrome. Identifiers: Orphanet 112, MedGen C0004775, MONDO:0015231.
SLC12A3-related disorder. Also called: SLC12A3-related condition.
Inborn genetic diseases. Identifiers: MedGen C0950123, MeSH D030342.

Allele frequency attached by ClinVar (database versions not stated): TOPMed 0.00003; gnomAD 0.00005; gnomAD exomes 0.00006 and 0.00016; ExAC 0.00007; ESP Exome Variant Server 0.00008.
gnomAD v4.1: 239 of 1,614,068 alleles (0.015%); highest among the groups gnomAD compares: Non-Finnish European, 0.02%; no homozygotes.

Submissions (16):

Genetics Laboratory, Great Ormond Street Hospital NHS Foundation Trust, North Thames Genomic Laboratory Hub
Classification: Pathogenic for Renal tubulopathies. Last evaluated: 2026-01-05. Review status: criteria provided, single submitter. Criteria: ACGS Best Practice Guidelines for Variant Classification in Rare Disease 2024 v1.2. Collection method: clinical testing. Allele origin: germline. Affected: yes.
Comment: PM2_moderate, PS3_moderate, PM3_very-strong, PP4_supporting

Natera, Inc.
Classification: Pathogenic for Gitelman syndrome. Last evaluated: 2025-10-20. Review status: criteria provided, single submitter. Criteria: Natera Variant Classification Schema (03/2026). Collection method: clinical testing. Allele origin: germline.
Comment: The c.2965G>A variant in SLC12A3 is a missense variant predicted to cause substitution of glycine to arginine at amino acid 989. This variant is rare in the general population with a frequency below the threshold expected for the associated phenotype(s). This variant has been observed in one or more individuals affected with the associated recessive disease, as either homozygous or compound heterozygous with a second variant (PMID: 21415153, 29398133). Given the available evidence, this variant is classified as Pathogenic.

Victorian Clinical Genetics Services, Murdoch Childrens Research Institute
Classification: Pathogenic for Familial hypokalemia-hypomagnesemia. Last evaluated: 2025-06-24. Review status: criteria provided, single submitter. Criteria: ACMG Guidelines, 2015. Collection method: clinical testing. Allele origin: germline. Affected: yes.
Comment: This variant is classified as Pathogenic. Evidence in support of pathogenic classification: Variant is present in gnomAD <0.01 for a recessive condition (v2: 17 heterozygotes, 0 homozygotes); This variant has strong previous evidence of pathogenicity in unrelated individuals. This variant has been classified as likely pathogenic and pathogenic by multiple clinical diagnostic laboratories and is associated with Gitelman syndrome (ClinVar, PMID: 11168953). Additional information: Variant is predicted to result in a missense amino acid change from glycine to arginine; This variant is heterozygous; This gene is associated with autosomal recessive disease; Variant is located in the annotated SLC12 family domain (DECIPHER); Missense variant with conflicting in silico predictions and uninformative conservation; Loss of function is a known mechanism of disease in this gene and is associated with Gitelman syndrome (MIM#263800); Heterozygous variant detected in trans with a second PATHOGENIC heterozygous variant (NM_001126108.2(SLC12A3):c.2221G>A; p.(Gly741Arg)) in a recessive disease.

Labcorp Genetics (formerly Invitae), Labcorp
Classification: Pathogenic. Last evaluated: 2025-05-31. Review status: criteria provided, single submitter. Criteria: Invitae Variant Classification Sherloc (09022015). Collection method: clinical testing. Allele origin: germline.
Comment: This sequence change replaces glycine, which is neutral and non-polar, with arginine, which is basic and polar, at codon 989 of the SLC12A3 protein (p.Gly989Arg). This variant is present in population databases (rs34803727, gnomAD 0.01%). This missense change has been observed in individual(s) with Gitelman syndrome (PMID: 17329572, 18391953, 21415153, 23328711, 29942493). In at least one individual the data is consistent with being in trans (on the opposite chromosome) from a pathogenic variant. This variant is also known as c.2938G>A (G980R). ClinVar contains an entry for this variant (Variation ID: 586605). Invitae Evidence Modeling of protein sequence and biophysical properties (such as structural, functional, and spatial information, amino acid conservation, physicochemical variation, residue mobility, and thermodynamic stability) has been performed for this missense variant. However, the output from this modeling did not meet the statistical confidence thresholds required to predict the impact of this variant on SLC12A3 protein function. Experimental studies have shown that this missense change affects SLC12A3 function (PMID: 12039972). For these reasons, this variant has been classified as Pathogenic.

CeGaT Center for Human Genetics Tuebingen
Classification: Pathogenic. Last evaluated: 2025-01-01. Review status: criteria provided, single submitter. Criteria: CeGaT Center For Human Genetics Tuebingen Variant Classification Criteria Version 2. Collection method: clinical testing. Allele origin: germline. Affected: yes. Observed: 1 variant allele.
Comment: SLC12A3: PM3:Very Strong, PM2, PS3:Supporting

Blueprint Genetics
Classification: Pathogenic for SLC12A3-related disorders. Last evaluated: 2024-08-15. Review status: criteria provided, single submitter. Criteria: ACMG Guidelines, 2015. Collection method: clinical testing. Allele origin: germline. Affected: yes. Observed: 5 variant alleles.

European Hospital Georges Pompidou Genetics Department, Assistance Publique - Hôpitaux de Paris AP-HP
Classification: Pathogenic for Familial hypokalemia-hypomagnesemia. Last evaluated: 2022-04-27. Review status: criteria provided, single submitter. Criteria: ACMG Guidelines, 2015. Collection method: clinical testing. Allele origin: germline. Affected: yes.
Comment: ACMG criteria used:PS3, PS4, PM1, PM2, PM3, PP1, PP5

Revvity Omics, Revvity
Classification: Likely pathogenic for Familial hypokalemia-hypomagnesemia. Last evaluated: 2022-02-11. Review status: criteria provided, single submitter. Criteria: ACMG Guidelines, 2015. Collection method: clinical testing. Allele origin: germline.

GeneDx
Classification: Pathogenic. Last evaluated: 2022-01-06. Review status: criteria provided, single submitter. Criteria: GeneDx Variant Classification Process June 2021. Collection method: clinical testing. Allele origin: germline. Affected: yes.
Comment: In vitro functional analysis demonstrated significantly diminished metolazone-sensitive sodium uptake levels in cells harboring this variant; immunocytochemical analysis revealed that the altered protein was localized to the cytoplasm and plasma membrane rather than only the plasma membrane as observed with the wild-type protein (De Jong et al., 2002); In silico analysis, which includes protein predictors and evolutionary conservation, supports that this variant does not alter protein structure/function; Also known as p.(G980R); This variant is associated with the following publications: (PMID: 23328711, 21415153, 11168953, 22009145, 31672324, 33144682, 17329572, 29942493, 18391953, 12039972)

Genome-Nilou Lab
Classification: Likely pathogenic for Familial hypokalemia-hypomagnesemia. Last evaluated: 2021-07-15. Review status: criteria provided, single submitter. Criteria: ACMG Guidelines, 2015. Collection method: clinical testing. Allele origin: germline. Affected: no.

Ambry Genetics
Classification: Pathogenic for Inborn genetic diseases. Last evaluated: 2020-11-12. Review status: criteria provided, single submitter. Criteria: Ambry Variant Classification Scheme 2023. Collection method: clinical testing. Allele origin: germline.
Comment: The c.2965G>A (p.G989R) alteration is located in exon 26 (coding exon 26) of the SLC12A3 gene. This alteration results from a G to A substitution at nucleotide position 2965, causing the glycine (G) at amino acid position 989 to be replaced by an arginine (R). Based on data from the Genome Aggregation Database (gnomAD) database, the SLC12A3 c.2965G>A alteration was observed in 0.006% (17/282,386) of total alleles studied, with a frequency of 0.01% (14/128,704) in the European (non-Finnish) subpopulation. This alteration has been reported in multiple patients with Gitelman syndrome in both the homozygous and compound heterozygous states (Berry, 2013; Glaudemans, 2012; Vargas-Poussou, 2011; Ji, 2008). This amino acid position is not well conserved in available vertebrate species. In an assay of metolazone-sensitive sodium uptake this variant was found to be functionally abnormal (de Jong, 2002). The in silico prediction for the p.G989R alteration is inconclusive. Based on the available evidence, this alteration is classified as pathogenic.

Fulgent Genetics
Classification: Likely pathogenic for Familial hypokalemia-hypomagnesemia. Last evaluated: 2018-10-31. Review status: criteria provided, single submitter. Criteria: ACMG Guidelines, 2015. Collection method: clinical testing. Allele origin: unknown.

Athena Diagnostics
Classification: Pathogenic. Last evaluated: 2018-04-10. Review status: criteria provided, single submitter. Criteria: Athena Diagnostics Criteria. Collection method: clinical testing. Allele origin: germline.

Sydney Genome Diagnostics, Children's Hospital Westmead
Classification: Pathogenic for Familial hypokalemia-hypomagnesemia; Bartter syndrome. Last evaluated: 2018-07-13. Review status: no assertion criteria provided. Collection method: clinical testing. Allele origin: unknown. Affected: yes. Observed: 1 variant allele, 2 compound heterozygotes. Not counted in ClinVar's aggregate classification.
Comment: This variant has been reported in the gnomAD browser with a very low allele frequency of 0.006% (16 out of 276,718 alleles). The c.2965G>A p.(Gly989Arg) variant, which is equivalent to c.2938G>A p.(Gly980Arg) using transcript NM_001126108.1, has been described in many patients with Gitelman syndrome as compound heterozygous with a second pathogenic variant (e.g. De Jong et al. 2002 J Am Soc Nephrol 13: 1442-1448; Riveira-Munoz et al. 2007 J Am Soc Nephrol 18: 1271-1283; Ji et al. 2008 Nat Genet 40: 592-599). Functional studies found that the mutant protein had impaired sodium ion uptake and was also partially incorrectly localised in the cytoplasm (De Jong et al. 2002 J Am Soc Nephrol 13: 1442-1448). This variant is considered to be pathogenic according to the ACMG guidelines.

Clinical Genetics DNA and cytogenetics Diagnostics Lab, Erasmus MC, Erasmus Medical Center
Classification: Likely pathogenic. Review status: no assertion criteria provided. Collection method: clinical testing. Allele origin: germline. Affected: yes. Study: VKGL Data-share Consensus. Not counted in ClinVar's aggregate classification.

Genome Diagnostics Laboratory, University Medical Center Utrecht
Classification: Pathogenic. Review status: no assertion criteria provided. Collection method: clinical testing. Allele origin: germline. Affected: yes. Study: VKGL Data-share Consensus. Not counted in ClinVar's aggregate classification.

Literature cited by the submitters: PubMed 21415153 (cited by 4 submitters); PubMed 29398133 (cited by Natera, Inc.); PubMed 11168953 (cited by Victorian Clinical Genetics Services, Murdoch Childrens Research Institute and Athena Diagnostics); PubMed 17329572 (cited by Labcorp Genetics (formerly Invitae), Labcorp); PubMed 18391953 (cited by Labcorp Genetics (formerly Invitae), Labcorp and Ambry Genetics); PubMed 23328711 (cited by 3 submitters); PubMed 29942493 (cited by Labcorp Genetics (formerly Invitae), Labcorp); PubMed 12039972 (cited by 3 submitters); PubMed 22009145 (cited by Ambry Genetics and Athena Diagnostics).